The following is an entry in ClinVar:

ClinVar aggregate classification (germline): Uncertain significance (1 of 4 stars; one submission).

Conditions:
Mitochondrial complex II deficiency, nuclear type 1. Also called: SUCCINATE CoQ REDUCTASE DEFICIENCY. Identifiers: Orphanet 3208, MedGen C5700310, MONDO:0100294, OMIM 252011.
Pheochromocytoma/paraganglioma syndrome 5. Also called: Paragangliomas 5; SDHA-Related Hereditary Paraganglioma-Pheochromocytoma Syndrome. Identifiers: Orphanet 29072, MedGen C3279992, MONDO:0013602, OMIM 614165.

Submission:

Labcorp Genetics (formerly Invitae), Labcorp
Classification: Uncertain significance for Pheochromocytoma/paraganglioma syndrome 5; Mitochondrial complex II deficiency, nuclear type 1. Last evaluated: 2022-07-08. Review status: criteria provided, single submitter. Criteria: Invitae Variant Classification Sherloc (09022015). Collection method: clinical testing. Allele origin: germline.
Comment: In summary, the available evidence is currently insufficient to determine the role of this variant in disease. Therefore, it has been classified as a Variant of Uncertain Significance. Algorithms developed to predict the effect of missense changes on protein structure and function (SIFT, PolyPhen-2, Align-GVGD) all suggest that this variant is likely to be disruptive. This variant has not been reported in the literature in individuals affected with SDHA-related conditions. This variant is not present in population databases (gnomAD no frequency). This sequence change replaces proline, which is neutral and non-polar, with alanine, which is neutral and non-polar, at codon 95 of the SDHA protein (p.Pro95Ala).

NM_004168.4(SDHA):c.283C>G (p.Pro95Ala)

Gene: SDHA (succinate dehydrogenase complex flavoprotein subunit A; plus strand). Cytogenetic location: 5p15.33.
Variant type: single nucleotide variant.
Coding change: c.283C>G on transcript NM_004168.4 (MANE Select); coding-DNA position 283, C replaced by G.
Protein change: p.Pro95Ala; replaces proline 95 with alanine.
Molecular consequence: missense variant.
Genome position (GRCh38, 1-based): chr5:224,492, C>G. VCF-style: chr5-224492-C-G. GRCh37 (hg19) VCF-style: chr5-224607-C-G.
Other names: c.283C>G, p.Pro95Ala (NM_001294332.2, NM_001330758.2); short protein forms P95A.
Identifiers: ClinVar variation 2138906 (VCV002138906.4), dbSNP rs2477287029, ClinGen allele CA359008639.